The following is an entry in ClinVar:

NM_001244926.2(PRPF4):c.409T>C (p.Ser137Pro)

Gene: PRPF4 (pre-mRNA splicing tri-snRNP complex factor PRPF4; plus strand). Cytogenetic location: 9q32.
Variant type: single nucleotide variant.
Coding change: c.409T>C on transcript NM_001244926.2 (MANE Select); coding-DNA position 409, T replaced by C.
Protein change: p.Ser137Pro; replaces serine 137 with proline.
Molecular consequence: missense variant. On other transcripts: 5 prime UTR variant (2), non-coding transcript variant (2).
Genome position (GRCh38, 1-based): chr9:113,282,662, T>C. VCF-style: chr9-113282662-T-C. GRCh37 (hg19) VCF-style: chr9-116044942-T-C.
Other names: c.-357T>C (NM_001322266.2, NM_001322267.2); c.412T>C, p.Ser138Pro (NM_004697.5); short protein forms S137P, S138P.
Identifiers: ClinVar variation 2809927 (VCV002809927.3), dbSNP rs2490807507, ClinGen allele CA374552627.
Genomic context (GRCh38, chr9:113,282,662, plus strand): 5'-CTCAACCATGTTTAAATTCTGATCTTTTTTTTTTTTTTTAACAGGTTAAGAAATATCCTC[T>C]CAGTTGTCGGTACTGATGCCTTGAAAAAGACCAAAAAGGATGATGAGAAGTCTAAAAAGT-3'
Protein context (NP_001231855.1, residues 127-147): ERRERLRNIL[Ser137Pro]VVGTDALKKT

ClinVar aggregate classification (germline): Uncertain significance (1 of 4 stars; one submission).

Submission:

Labcorp Genetics (formerly Invitae), Labcorp
Classification: Uncertain significance. Last evaluated: 2025-05-19. Review status: criteria provided, single submitter. Criteria: Invitae Variant Classification Sherloc (09022015). Collection method: clinical testing. Allele origin: germline.
Comment: This sequence change replaces serine, which is neutral and polar, with proline, which is neutral and non-polar, at codon 138 of the PRPF4 protein (p.Ser138Pro). This variant is not present in population databases (gnomAD no frequency). This variant has not been reported in the literature in individuals affected with PRPF4-related conditions. ClinVar contains an entry for this variant (Variation ID: 2809927). An algorithm developed to predict the effect of missense changes on protein structure and function (PolyPhen-2) suggests that this variant is likely to be disruptive. In summary, the available evidence is currently insufficient to determine the role of this variant in disease. Therefore, it has been classified as a Variant of Uncertain Significance.